The following is an entry in ClinVar:

NM_000465.4(BARD1):c.435G>A (p.Met145Ile)

Gene: BARD1 (BRCA1 associated RING domain 1; minus strand). Cytogenetic location: 2q35.
Variant type: single nucleotide variant.
Coding change: c.435G>A on transcript NM_000465.4 (MANE Select); coding-DNA position 435, G replaced by A.
Protein change: p.Met145Ile; replaces methionine 145 with isoleucine.
Molecular consequence: missense variant. On other transcripts: non-coding transcript variant (2), intron variant (3).
Genome position (GRCh38, 1-based): chr2:214,781,439, C>T on the plus strand (G>A on the coding strand, the complement: BARD1 is on the minus strand). VCF-style: chr2-214781439-C-T. GRCh37 (hg19) VCF-style: chr2-215646163-C-T.
Other names: c.378G>A, p.Met126Ile (NM_001282543.2); c.158+27973G>A (NM_001282548.2); c.215+15622G>A (NM_001282545.2); c.364+10858G>A (NM_001282549.2); short protein forms M126I, M145I.
Identifiers: ClinVar variation 824823 (VCV000824823.17), dbSNP rs1574821505, ClinGen allele CA350457801.

ClinVar aggregate classification (germline): Uncertain significance. Review status: criteria provided, multiple submitters, no conflicts (2 of 4 stars). 3 submissions from 3 submitters: Uncertain significance (3). Last evaluated 2025-10-27.

Conditions:
Hereditary cancer-predisposing syndrome. Also called: Neoplastic Syndromes, Hereditary; Tumor predisposition; Hereditary neoplastic syndrome; Hereditary Cancer Syndrome. Identifiers: Orphanet 140162, MedGen C0027672, MeSH D009386, MONDO:0015356.
Familial cancer of breast. Also called: BREAST CANCER, FAMILIAL; Hereditary breast cancer; hereditary breast carcinoma. Identifiers: Orphanet 227535, MedGen C0346153, MONDO:0016419, OMIM 114480. Disease mechanism: loss of function.

Allele frequency attached by ClinVar (database versions not stated): gnomAD exomes below 0.00001.

Submissions (3):

Ambry Genetics
Classification: Uncertain significance for Hereditary cancer-predisposing syndrome. Last evaluated: 2025-10-27. Review status: criteria provided, single submitter. Criteria: Ambry Variant Classification Scheme 2023. Collection method: clinical testing. Allele origin: germline.
Comment: The p.M145I variant (also known as c.435G>A), located in coding exon 4 of the BARD1 gene, results from a G to A substitution at nucleotide position 435. The methionine at codon 145 is replaced by isoleucine, an amino acid with highly similar properties. This amino acid position is highly conserved in available vertebrate species. In addition, the in silico prediction for this alteration is inconclusive. Since supporting evidence is limited at this time, the clinical significance of this alteration remains unclear.

Quest Diagnostics Nichols Institute San Juan Capistrano
Classification: Uncertain significance. Last evaluated: 2025-03-05. Review status: criteria provided, single submitter. Criteria: Quest Diagnostics criteria. Collection method: clinical testing. Allele origin: unknown.
Comment: The BARD1 c.435G>A (p.Met145Ile) variant has not been reported in individuals with BARD1-related conditions in the published literature. It also has not been reported in large, multi-ethnic general populations (Genome Aggregation Database). Analysis of this variant using bioinformatics tools for the prediction of the effect of amino acid changes on protein structure and function yielded conflicting predictions that this variant is benign or damaging. Based on the available information, we are unable to determine the clinical significance of this variant.

Labcorp Genetics (formerly Invitae), Labcorp
Classification: Uncertain significance for Familial cancer of breast. Last evaluated: 2024-11-18. Review status: criteria provided, single submitter. Criteria: Invitae Variant Classification Sherloc (09022015). Collection method: clinical testing. Allele origin: germline.
Comment: This sequence change replaces methionine, which is neutral and non-polar, with isoleucine, which is neutral and non-polar, at codon 145 of the BARD1 protein (p.Met145Ile). This variant is not present in population databases (gnomAD no frequency). This variant has not been reported in the literature in individuals affected with BARD1-related conditions. ClinVar contains an entry for this variant (Variation ID: 824823). An algorithm developed to predict the effect of missense changes on protein structure and function (PolyPhen-2) suggests that this variant is likely to be disruptive. In summary, the available evidence is currently insufficient to determine the role of this variant in disease. Therefore, it has been classified as a Variant of Uncertain Significance.